The following is an entry in ClinVar:

ClinVar aggregate classification (germline): Uncertain significance (1 of 4 stars; one submission).

Conditions:
Congenital contractural arachnodactyly (CCA). Also called: BEALS SYNDROME; Arthrogryposis, distal, type 9; Beals-Hecht syndrome. Identifiers: Orphanet 115, MedGen C0220668, MONDO:0007363, OMIM 121050.

gnomAD v4.1: 1 of 1,613,488 alleles (0.000062%); highest among the groups gnomAD compares: Admixed American, 0.0017%; no homozygotes.

Submission:

Labcorp Genetics (formerly Invitae), Labcorp
Classification: Uncertain significance for Congenital contractural arachnodactyly. Last evaluated: 2023-06-04. Review status: criteria provided, single submitter. Criteria: Invitae Variant Classification Sherloc (09022015). Collection method: clinical testing. Allele origin: germline.
Comment: This variant has not been reported in the literature in individuals affected with FBN2-related conditions. In summary, the available evidence is currently insufficient to determine the role of this variant in disease. Therefore, it has been classified as a Variant of Uncertain Significance. Advanced modeling of protein sequence and biophysical properties (such as structural, functional, and spatial information, amino acid conservation, physicochemical variation, residue mobility, and thermodynamic stability) performed at Invitae indicates that this missense variant is expected to disrupt FBN2 protein function. This variant is present in population databases (no rsID available, gnomAD 0.0009%). This sequence change replaces serine, which is neutral and polar, with phenylalanine, which is neutral and non-polar, at codon 1347 of the FBN2 protein (p.Ser1347Phe).

NM_001999.4(FBN2):c.4040C>T (p.Ser1347Phe)

Gene: FBN2 (fibrillin 2; minus strand). Cytogenetic location: 5q23.3.
Variant type: single nucleotide variant.
Coding change: c.4040C>T on transcript NM_001999.4 (MANE Select); coding-DNA position 4040, C replaced by T.
Protein change: p.Ser1347Phe; replaces serine 1347 with phenylalanine.
Molecular consequence: missense variant.
Genome position (GRCh38, 1-based): chr5:128,334,778, G>A on the plus strand (C>T on the coding strand, the complement: FBN2 is on the minus strand). VCF-style: chr5-128334778-G-A. GRCh37 (hg19) VCF-style: chr5-127670470-G-A.
Other names: short protein forms S1347F.
Identifiers: ClinVar variation 2975982 (VCV002975982.3), dbSNP rs1397344275, ClinGen allele CA360757023.